The following is an entry in ClinVar:

ClinVar aggregate classification (germline): Uncertain significance. Review status: criteria provided, multiple submitters, no conflicts (2 of 4 stars). 2 submissions from 2 submitters: Uncertain significance (2). Last evaluated 2025-05-19.

Conditions:
Polycystic kidney disease, adult type (PKD1). Also called: Polycystic Kidney Disease 1, Autosomal Dominant; Polycystic kidney disease 1; Polycystic kidney disease 1, severe; POLYCYSTIC KIDNEY DISEASE 1 WITH OR WITHOUT POLYCYSTIC LIVER DISEASE; POLYCYSTIC KIDNEY DISEASE, ADULT, TYPE I; Polycystic Kidney, Autosomal Dominant. Identifiers: MedGen C3149841, MONDO:0008263, OMIM 173900.

Submissions (2):

Women's Health and Genetics/Laboratory Corporation of America, LabCorp
Classification: Uncertain significance. Last evaluated: 2025-05-19. Review status: criteria provided, single submitter. Criteria: LabCorp Variant Classification Summary - May 2015. Collection method: clinical testing. Allele origin: germline.
Comment: Variant summary: PKD1 c.5740G>A (p.Gly1914Ser) results in a non-conservative amino acid change in the encoded protein sequence. Algorithms developed to predict the effect of missense changes on protein structure and function all suggest that this variant is likely to be disruptive. The variant allele was found at a frequency of 1.3e-05 in 234998 control chromosomes. The available data on variant occurrences in the general population are insufficient to allow any conclusion about variant significance. To our knowledge, no occurrence of c.5740G>A in individuals affected with PKD1-Biallelic Autosomal Recessive Polycystic Kidney Disease and no experimental evidence demonstrating its impact on protein function have been reported. ClinVar contains an entry for this variant (Variation ID: 3579421). Based on the evidence outlined above, the variant was classified as uncertain significance.

Fulgent Genetics
Classification: Uncertain significance for Polycystic kidney disease, adult type. Last evaluated: 2024-04-10. Review status: criteria provided, single submitter. Criteria: ACMG Guidelines, 2015. Collection method: clinical testing. Allele origin: germline.

NM_001009944.3(PKD1):c.5740G>A (p.Gly1914Ser)

Gene: PKD1 (polycystin 1, transient receptor potential channel interacting; minus strand). Cytogenetic location: 16p13.3.
Variant type: single nucleotide variant.
Coding change: c.5740G>A on transcript NM_001009944.3 (MANE Select); coding-DNA position 5740, G replaced by A.
Protein change: p.Gly1914Ser; replaces glycine 1914 with serine.
Molecular consequence: missense variant.
Genome position (GRCh38, 1-based): chr16:2,109,427, C>T on the plus strand (G>A on the coding strand, the complement: PKD1 is on the minus strand). VCF-style: chr16-2109427-C-T. GRCh37 (hg19) VCF-style: chr16-2159428-C-T.
Other names: c.5740G>A, p.Gly1914Ser (NM_000296.4); short protein forms G1914S.
Identifiers: ClinVar variation 3579421 (VCV003579421.2).